The following is an entry in ClinVar:

NM_020184.4(CNNM4):c.1759G>A (p.Glu587Lys)

Gene: CNNM4 (cyclin and CBS domain divalent metal cation transport mediator 4; plus strand). Cytogenetic location: 2q11.2.
Variant type: single nucleotide variant.
Coding change: c.1759G>A on transcript NM_020184.4 (MANE Select); coding-DNA position 1759, G replaced by A.
Protein change: p.Glu587Lys; replaces glutamic acid 587 with lysine.
Molecular consequence: missense variant.
Genome position (GRCh38, 1-based): chr2:96,799,134, G>A. VCF-style: chr2-96799134-G-A. GRCh37 (hg19) VCF-style: chr2-97464871-G-A.
Other names: short protein forms E587K.
Identifiers: ClinVar variation 1510255 (VCV001510255.8), dbSNP rs752082912, ClinGen allele CA1783464.

ClinVar aggregate classification (germline): Uncertain significance (1 of 4 stars; one submission).

Allele frequency attached by ClinVar (database versions not stated): gnomAD exomes below 0.00001; gnomAD 0.00001.
gnomAD v4.1: 3 of 1,613,276 alleles (0.00019%); highest among the groups gnomAD compares: Middle Eastern, 0.018%; no homozygotes.

Submission:

Labcorp Genetics (formerly Invitae), Labcorp
Classification: Uncertain significance. Last evaluated: 2023-01-18. Review status: criteria provided, single submitter. Criteria: Invitae Variant Classification Sherloc (09022015). Collection method: clinical testing. Allele origin: germline.
Comment: This sequence change replaces glutamic acid, which is acidic and polar, with lysine, which is basic and polar, at codon 587 of the CNNM4 protein (p.Glu587Lys). This variant is present in population databases (rs752082912, gnomAD 0.007%). This variant has not been reported in the literature in individuals affected with CNNM4-related conditions. ClinVar contains an entry for this variant (Variation ID: 1510255). Advanced modeling of protein sequence and biophysical properties (such as structural, functional, and spatial information, amino acid conservation, physicochemical variation, residue mobility, and thermodynamic stability) performed at Invitae indicates that this missense variant is not expected to disrupt CNNM4 protein function. In summary, the available evidence is currently insufficient to determine the role of this variant in disease. Therefore, it has been classified as a Variant of Uncertain Significance.